The following is an entry in ClinVar:

NM_001122630.2(CDKN1C):c.815C>T (p.Ala272Val)

Gene: CDKN1C (cyclin dependent kinase inhibitor 1C; minus strand). Cytogenetic location: 11p15.4.
Variant type: single nucleotide variant.
Coding change: c.815C>T on transcript NM_001122630.2 (MANE Select); coding-DNA position 815, C replaced by T.
Protein change: p.Ala272Val; replaces alanine 272 with valine.
Molecular consequence: missense variant.
Genome position (GRCh38, 1-based): chr11:2,884,107, G>A on the plus strand (C>T on the coding strand, the complement: CDKN1C is on the minus strand). VCF-style: chr11-2884107-G-A. GRCh37 (hg19) VCF-style: chr11-2905337-G-A.
Other names: c.848C>T, p.Ala283Val (LRG_533t1, NM_000076.2, NM_001362474.2); c.815C>T, p.Ala272Val (NM_001122631.2); c.283C>T, p.Arg95Cys (NM_001362475.2); short protein forms A283V, A272V, R95C.
Identifiers: ClinVar variation 454037 (VCV000454037.10), dbSNP rs776541692, ClinGen allele CA5822150.

ClinVar aggregate classification (germline): Uncertain significance. Review status: criteria provided, multiple submitters, no conflicts (2 of 4 stars). 2 submissions from 2 submitters: Uncertain significance (2). Last evaluated 2025-06-12.

Conditions:
Beckwith-Wiedemann syndrome (BWS). Also called: EMG SYNDROME; Exomphalos macroglossia gigantism syndrome. Identifiers: Orphanet 116, MedGen C0004903, MONDO:0007534, OMIM 130650.
IMAGe syndrome. Also called: Intrauterine growth retardation, metaphyseal dysplasia, adrenal hypoplasia congenita, and genital anomalies; Intrauterine Growth Restriction, Metaphyseal Dysplasia, Adrenal Hypoplasia Congenita, and Genital Anomalies. Identifiers: Orphanet 85173, MedGen C1846009, MONDO:0013873, OMIM 614732.

Allele frequency attached by ClinVar (database versions not stated): ExAC below 0.00001; gnomAD exomes 0.00001; gnomAD 0.00003.
gnomAD v4.1: 16 of 1,527,904 alleles (0.001%); highest among the groups gnomAD compares: East Asian, 0.013%; no homozygotes.

Submissions (2):

Labcorp Genetics (formerly Invitae), Labcorp
Classification: Uncertain significance for Beckwith-Wiedemann syndrome. Last evaluated: 2025-06-12. Review status: criteria provided, single submitter. Criteria: Invitae Variant Classification Sherloc (09022015). Collection method: clinical testing. Allele origin: germline.
Comment: This sequence change replaces alanine, which is neutral and non-polar, with valine, which is neutral and non-polar, at codon 283 of the CDKN1C protein (p.Ala283Val). The frequency data for this variant in the population databases is considered unreliable, as metrics indicate poor data quality at this position in the gnomAD database. This variant has not been reported in the literature in individuals affected with CDKN1C-related conditions. ClinVar contains an entry for this variant (Variation ID: 454037). Invitae Evidence Modeling of protein sequence and biophysical properties (such as structural, functional, and spatial information, amino acid conservation, physicochemical variation, residue mobility, and thermodynamic stability) has been performed for this missense variant. However, the output from this modeling did not meet the statistical confidence thresholds required to predict the impact of this variant on CDKN1C protein function. In summary, the available evidence is currently insufficient to determine the role of this variant in disease. Therefore, it has been classified as a Variant of Uncertain Significance.

Fulgent Genetics
Classification: Uncertain significance for Beckwith-Wiedemann syndrome; IMAGe syndrome. Last evaluated: 2018-10-31. Review status: criteria provided, single submitter. Criteria: ACMG Guidelines, 2015. Collection method: clinical testing. Allele origin: unknown.